The following is an entry in ClinVar:

NM_004304.5(ALK):c.2982A>T (p.Glu994Asp)

Gene: ALK (ALK receptor tyrosine kinase; minus strand). Cytogenetic location: 2p23.2.
Variant type: single nucleotide variant.
Coding change: c.2982A>T on transcript NM_004304.5 (MANE Select); coding-DNA position 2982, A replaced by T.
Protein change: p.Glu994Asp; replaces glutamic acid 994 with aspartic acid.
Molecular consequence: missense variant.
Genome position (GRCh38, 1-based): chr2:29,227,007, T>A on the plus strand (A>T on the coding strand, the complement: ALK is on the minus strand). VCF-style: chr2-29227007-T-A. GRCh37 (hg19) VCF-style: chr2-29449873-T-A.
Other names: short protein forms E994D.
Identifiers: ClinVar variation 2586716 (VCV002586716.2), dbSNP rs2148178531, ClinGen allele CA346467745.
Genomic context (GRCh38, chr2:29,227,007, plus strand): 5'-CAGCACCGTCCCGTGGTCACAGAAGCAGATGACCTTGTGGCTTTCAGGGTCCATGTGACA[T>A]TCGTCTACCTCACAGTGACTGCAGTTTAGATAATGCTTAATATTCACTTCCCCGTGGCCT-3'
Protein context (NP_004295.2, residues 984-1004): YLNCSHCEVD[Glu994Asp]CHMDPESHKV

ClinVar aggregate classification (germline): Uncertain significance (1 of 4 stars; one submission).

Conditions:
Hereditary cancer-predisposing syndrome. Also called: Hereditary neoplastic syndrome; Tumor predisposition; Hereditary Cancer Syndrome; Neoplastic Syndromes, Hereditary. Identifiers: Orphanet 140162, MedGen C0027672, MeSH D009386, MONDO:0015356.

Submission:

Ambry Genetics
Classification: Uncertain significance for Hereditary cancer-predisposing syndrome. Last evaluated: 2023-09-07. Review status: criteria provided, single submitter. Criteria: Ambry Variant Classification Scheme 2023. Collection method: clinical testing. Allele origin: germline.
Comment: The p.E994D variant (also known as c.2982A>T), located in coding exon 18 of the ALK gene, results from an A to T substitution at nucleotide position 2982. The glutamic acid at codon 994 is replaced by aspartic acid, an amino acid with highly similar properties. This amino acid position is conserved. In addition, this alteration is predicted to be tolerated by in silico analysis. Since supporting evidence is limited at this time, the clinical significance of this alteration remains unclear.